The following is an entry in ClinVar:

NM_001372106.1(DNAH10):c.9848C>T (p.Thr3283Met)

Gene: DNAH10 (dynein axonemal heavy chain 10; plus strand). Cytogenetic location: 12q24.31.
Variant type: single nucleotide variant.
Coding change: c.9848C>T on transcript NM_001372106.1 (MANE Select); coding-DNA position 9848, C replaced by T.
Protein change: p.Thr3283Met; replaces threonine 3283 with methionine.
Molecular consequence: missense variant.
Genome position (GRCh38, 1-based): chr12:123,909,293, C>T. VCF-style: chr12-123909293-C-T. GRCh37 (hg19) VCF-style: chr12-124393840-C-T.
Other names: c.9494C>T, p.Thr3165Met (NM_207437.3); short protein forms T3165M, T3283M.
Identifiers: ClinVar variation 402627 (VCV000402627.20), dbSNP rs191384577, ClinGen allele CA6865229.

ClinVar aggregate classification (germline): Likely benign. Review status: criteria provided, multiple submitters, no conflicts (2 of 4 stars). 5 submissions from 5 submitters: Likely benign (5). Last evaluated 2025-06-30.

Conditions:
DNAH10-related disorder. Also called: DNAH10-related condition.

Allele frequency attached by ClinVar (database versions not stated): gnomAD 0.00105; ExAC 0.00147; 1000 Genomes Project 0.00160; ESP Exome Variant Server 0.00164; TOPMed 0.00171; 1000 Genomes Project 30x 0.00187.
gnomAD v4.1: 3,773 of 1,613,458 alleles (0.23%); highest among the groups gnomAD compares: Admixed American, 0.3%; 6 homozygotes.

Submissions (5):

PreventionGenetics, part of Exact Sciences
Classification: Likely benign for DNAH10-related condition. Last evaluated: 2025-06-30. Review status: criteria provided, single submitter. Criteria: ACMG Guidelines, 2015. Collection method: clinical testing. Allele origin: germline.
Comment: This variant is classified as likely benign based on ACMG/AMP sequence variant interpretation guidelines (Richards et al. 2015 PMID: 25741868, with internal and published modifications).

Blueprint Genetics
Classification: Likely benign. Last evaluated: 2024-11-22. Review status: criteria provided, single submitter. Criteria: ACMG Guidelines, 2015. Collection method: clinical testing. Allele origin: germline.

CeGaT Center for Human Genetics Tuebingen
Classification: Likely benign. Last evaluated: 2024-10-01. Review status: criteria provided, single submitter. Criteria: CeGaT Center For Human Genetics Tuebingen Variant Classification Criteria Version 2. Collection method: clinical testing. Allele origin: germline. Affected: yes. Observed: 1 variant allele.
Comment: DNAH10: BS2

Laboratory for Molecular Medicine, Mass General Brigham Personalized Medicine
Classification: Likely benign. Last evaluated: 2016-03-29. Review status: criteria provided, single submitter. Criteria: LMM Criteria. Collection method: clinical testing. Allele origin: germline.
Comment: Variant identified in a genome or exome case(s) and assessed due to predicted null impact of the variant or pathogenic assertions in the literature or databases. Disclaimer: This variant has not undergone full assessment. The following are preliminary notes: Other variants in this gene questionably associated with sperm immotility. No information about this variant.

Breakthrough Genomics
Classification: Likely benign. Review status: criteria provided, single submitter. Criteria: ACMG Guidelines, 2015. Collection method: not provided. Allele origin: germline. Inheritance: Autosomal recessive inheritance. Affected: yes.